The following is an entry in ClinVar:

NM_016507.4(CDK12):c.389A>G (p.Lys130Arg)

Genes: CDK12 (cyclin dependent kinase 12; plus strand), LOC126862553 (CDK7 strongly-dependent group 2 enhancer GRCh37_chr17:37618166-37619365; plus strand). Cytogenetic location: 17q12.
Variant type: single nucleotide variant.
Coding change: c.389A>G on transcript NM_016507.4 (MANE Select); coding-DNA position 389, A replaced by G.
Protein change: p.Lys130Arg; replaces lysine 130 with arginine.
Molecular consequence: missense variant.
Genome position (GRCh38, 1-based): chr17:39,462,460, A>G. VCF-style: chr17-39462460-A-G. GRCh37 (hg19) VCF-style: chr17-37618713-A-G.
Other names: c.389A>G, p.Lys130Arg (NM_015083.4); short protein forms K130R.
Identifiers: ClinVar variation 5034160 (VCV005034160.1).
Genomic context (GRCh38, chr17:39,462,460, plus strand): 5'-AACATCGTCACCACCAGCACAGGCGTTCCCGGGACTTACTAAAAGCTAAACAGACCGAAA[A>G]AGAAAAAAGCCAAGAAGTCTCCAGCAAGTCGGGATCGATGAAGGACCGGATATCGGGAAG-3'
Protein context (NP_057591.2, residues 120-140): RDLLKAKQTE[Lys130Arg]EKSQEVSSKS

ClinVar aggregate classification (germline): Uncertain significance (1 of 4 stars; one submission).

Submission:

Ambry Genetics
Classification: Uncertain significance. Last evaluated: 2026-08-17. Review status: criteria provided, single submitter. Criteria: Ambry Variant Classification Scheme 2023. Collection method: clinical testing. Allele origin: germline.
Comment: The p.K130R variant (also known as c.389A>G), located in coding exon 1 of the CDK12 gene, results from an A to G substitution at nucleotide position 389. The lysine at codon 130 is replaced by arginine, an amino acid with highly similar properties. This amino acid position is conserved. In addition, this alteration is predicted to be tolerated by in silico analysis. Based on the available evidence, the clinical significance of this variant remains unclear.